The following is an entry in ClinVar:

ClinVar aggregate classification (germline): Uncertain significance. Review status: criteria provided, multiple submitters, no conflicts (2 of 4 stars). 2 submissions from 2 submitters: Uncertain significance (2). Last evaluated 2025-07-24.

Conditions:
Hereditary cancer-predisposing syndrome. Also called: Neoplastic Syndromes, Hereditary; Tumor predisposition; Hereditary Cancer Syndrome; Hereditary neoplastic syndrome. Identifiers: Orphanet 140162, MedGen C0027672, MeSH D009386, MONDO:0015356.

Allele frequency attached by ClinVar (database versions not stated): gnomAD exomes below 0.00001.
gnomAD v4.1: 2 of 1,612,812 alleles (0.00012%); highest among the groups gnomAD compares: Non-Finnish European, 0.000085%; no homozygotes.

Submissions (2):

Ambry Genetics
Classification: Uncertain significance for Hereditary cancer-predisposing syndrome. Last evaluated: 2025-07-24. Review status: criteria provided, single submitter. Criteria: Ambry Variant Classification Scheme 2023. Collection method: clinical testing. Allele origin: germline.
Comment: The p.N340H variant (also known as c.1018A>C), located in coding exon 7 of the RAD50 gene, results from an A to C substitution at nucleotide position 1018. The asparagine at codon 340 is replaced by histidine, an amino acid with similar properties. This amino acid position is well conserved in available vertebrate species. In addition, this alteration is predicted to be tolerated by in silico analysis. Since supporting evidence is limited at this time, the clinical significance of this alteration remains unclear.

Labcorp Genetics (formerly Invitae), Labcorp
Classification: Uncertain significance for Hereditary cancer-predisposing syndrome. Last evaluated: 2025-06-14. Review status: criteria provided, single submitter. Criteria: Invitae Variant Classification Sherloc (09022015). Collection method: clinical testing. Allele origin: germline.
Comment: This sequence change replaces asparagine, which is neutral and polar, with histidine, which is basic and polar, at codon 340 of the RAD50 protein (p.Asn340His). This variant is present in population databases (no rsID available, gnomAD 0.0009%). This variant has not been reported in the literature in individuals affected with RAD50-related conditions. ClinVar contains an entry for this variant (Variation ID: 457360). Invitae Evidence Modeling of protein sequence and biophysical properties (such as structural, functional, and spatial information, amino acid conservation, physicochemical variation, residue mobility, and thermodynamic stability) indicates that this missense variant is expected to disrupt RAD50 protein function with a positive predictive value of 80%. In summary, the available evidence is currently insufficient to determine the role of this variant in disease. Therefore, it has been classified as a Variant of Uncertain Significance.

NM_005732.4(RAD50):c.1018A>C (p.Asn340His)

Gene: RAD50 (RAD50 double strand break repair protein; plus strand). Cytogenetic location: 5q31.1.
Variant type: single nucleotide variant.
Coding change: c.1018A>C on transcript NM_005732.4 (MANE Select); coding-DNA position 1018, A replaced by C.
Protein change: p.Asn340His; replaces asparagine 340 with histidine.
Molecular consequence: missense variant.
Genome position (GRCh38, 1-based): chr5:132,588,056, A>C. VCF-style: chr5-132588056-A-C. GRCh37 (hg19) VCF-style: chr5-131923748-A-C.
Other names: short protein forms N340H.
Identifiers: ClinVar variation 457360 (VCV000457360.13), dbSNP rs1376069129, ClinGen allele CA360941482.